The following is an entry in ClinVar:

NM_000493.4(COL10A1):c.542T>C (p.Val181Ala)

Genes: COL10A1 (collagen type X alpha 1 chain; minus strand), NT5DC1 (5'-nucleotidase domain containing 1; plus strand). Cytogenetic location: 6q22.1.
Variant type: single nucleotide variant.
Coding change: c.542T>C on transcript NM_000493.4 (MANE Select); coding-DNA position 542, T replaced by C.
Protein change: p.Val181Ala; replaces valine 181 with alanine.
Molecular consequence: missense variant. On other transcripts: intron variant (1).
Genome position (GRCh38, 1-based): chr6:116,121,574, A>G on the plus strand (T>C on the coding strand, the complement: COL10A1 is on the minus strand). VCF-style: chr6-116121574-A-G. GRCh37 (hg19) VCF-style: chr6-116442737-A-G.
Other names: c.542T>C, p.Val181Ala (NM_001424107.1, NM_001424106.1); c.529+3629A>G (NM_152729.3); short protein forms V181A.
Identifiers: ClinVar variation 2971206 (VCV002971206.3), dbSNP rs2534091237, ClinGen allele CA365394841.
Genomic context (GRCh38, chr6:116,121,574, plus strand): 5'-TCACCTGGACGACCAGGAGCACCATATCCCATTTCCCCTTTCTGTCCATTCATACCAGGG[A>G]CTCCTGGTGCACCCTTTTCTCCAGGAAAGCCCCTGGGTCCTGGGGCTCCTGTGGGTCCCT-3'
Protein context (NP_000484.2, residues 171-191): GFPGEKGAPG[Val181Ala]PGMNGQKGEM

ClinVar aggregate classification (germline): Uncertain significance (1 of 4 stars; one submission).

Submission:

Labcorp Genetics (formerly Invitae), Labcorp
Classification: Uncertain significance. Last evaluated: 2023-02-10. Review status: criteria provided, single submitter. Criteria: Invitae Variant Classification Sherloc (09022015). Collection method: clinical testing. Allele origin: germline.
Comment: In summary, the available evidence is currently insufficient to determine the role of this variant in disease. Therefore, it has been classified as a Variant of Uncertain Significance. Advanced modeling of protein sequence and biophysical properties (such as structural, functional, and spatial information, amino acid conservation, physicochemical variation, residue mobility, and thermodynamic stability) performed at Invitae indicates that this missense variant is not expected to disrupt COL10A1 protein function. This variant has not been reported in the literature in individuals affected with COL10A1-related conditions. This variant is not present in population databases (gnomAD no frequency). This sequence change replaces valine, which is neutral and non-polar, with alanine, which is neutral and non-polar, at codon 181 of the COL10A1 protein (p.Val181Ala).